The following is an entry in ClinVar:

NM_005559.4(LAMA1):c.9110G>A (p.Arg3037His)

Gene: LAMA1 (laminin subunit alpha 1; minus strand). Cytogenetic location: 18p11.31.
Variant type: single nucleotide variant.
Coding change: c.9110G>A on transcript NM_005559.4 (MANE Select); coding-DNA position 9110, G replaced by A.
Protein change: p.Arg3037His; replaces arginine 3037 with histidine.
Molecular consequence: missense variant.
Genome position (GRCh38, 1-based): chr18:6,942,197, C>T on the plus strand (G>A on the coding strand, the complement: LAMA1 is on the minus strand). VCF-style: chr18-6942197-C-T. GRCh37 (hg19) VCF-style: chr18-6942196-C-T.
Other names: short protein forms R3037H.
Identifiers: ClinVar variation 1497587 (VCV001497587.4), dbSNP rs201185017, ClinGen allele CA8880242.

ClinVar aggregate classification (germline): Uncertain significance (1 of 4 stars; one submission).

Allele frequency attached by ClinVar (database versions not stated): TOPMed 0.00008; gnomAD 0.00009; gnomAD exomes 0.00009 and 0.00013; ExAC 0.00011; 1000 Genomes Project 30x 0.00016; 1000 Genomes Project 0.00020; ESP Exome Variant Server 0.00023.
gnomAD v4.1: 202 of 1,614,152 alleles (0.013%); highest among the groups gnomAD compares: Non-Finnish European, 0.016%; no homozygotes.

Submission:

Labcorp Genetics (formerly Invitae), Labcorp
Classification: Uncertain significance. Last evaluated: 2023-10-03. Review status: criteria provided, single submitter. Criteria: Invitae Variant Classification Sherloc (09022015). Collection method: clinical testing. Allele origin: germline.
Comment: This sequence change replaces arginine, which is basic and polar, with histidine, which is basic and polar, at codon 3037 of the LAMA1 protein (p.Arg3037His). This variant is present in population databases (rs201185017, gnomAD 0.02%). This variant has not been reported in the literature in individuals affected with LAMA1-related conditions. ClinVar contains an entry for this variant (Variation ID: 1497587). Advanced modeling of protein sequence and biophysical properties (such as structural, functional, and spatial information, amino acid conservation, physicochemical variation, residue mobility, and thermodynamic stability) performed at Invitae indicates that this missense variant is not expected to disrupt LAMA1 protein function. In summary, the available evidence is currently insufficient to determine the role of this variant in disease. Therefore, it has been classified as a Variant of Uncertain Significance.